The following is an entry in ClinVar:

ClinVar aggregate classification (germline): Likely benign (1 of 4 stars; one submission).

Submission:

CeGaT Center for Human Genetics Tuebingen
Classification: Likely benign. Last evaluated: 2023-10-01. Review status: criteria provided, single submitter. Criteria: CeGaT Center For Human Genetics Tuebingen Variant Classification Criteria Version 2. Collection method: clinical testing. Allele origin: germline. Affected: yes. Observed: 1 variant allele.
Comment: LRP8: PM2:Supporting, BP4, BP7

NM_004631.5(LRP8):c.2504-1554C>T

Gene: LRP8 (LDL receptor related protein 8; minus strand). Cytogenetic location: 1p32.3.
Variant type: single nucleotide variant.
Coding change: c.2504-1554C>T on transcript NM_004631.5 (MANE Select); 1554 bases into the intron before coding-DNA position 2504, C replaced by T.
Molecular consequence: intron variant.
Genome position (GRCh38, 1-based): chr1:53,252,416, G>A on the plus strand (C>T on the coding strand, the complement: LRP8 is on the minus strand). VCF-style: chr1-53252416-G-A. GRCh37 (hg19) VCF-style: chr1-53718088-G-A.
Other names: c.1994-1554C>T (NM_033300.4); c.1892-1554C>T (NM_017522.5); c.2504-1554C>T (NM_001018054.3).
Identifiers: ClinVar variation 2638823 (VCV002638823.24), dbSNP rs1645926947, ClinGen allele CA2695198039.
Genomic context (GRCh38, chr1:53,252,416, plus strand): 5'-CTGGTCTTTACAAAAAAATTAATTTAAAAAATTAGCCAGGTGTGGTGGTGCATGCCTGTA[G>A]TCCCAGCTACTCGGGATGCTGAGGCAGGAGAATCCCTTGAGCCCAGGAGTTCGAGGATGC-3'